The following is an entry in ClinVar:

NM_001379659.1(ZNF142):c.4298G>T (p.Cys1433Phe)

Gene: ZNF142 (zinc finger protein 142; minus strand). Cytogenetic location: 2q35.
Variant type: single nucleotide variant.
Coding change: c.4298G>T on transcript NM_001379659.1 (MANE Select); coding-DNA position 4298, G replaced by T.
Protein change: p.Cys1433Phe; replaces cysteine 1433 with phenylalanine.
Molecular consequence: missense variant.
Genome position (GRCh38, 1-based): chr2:218,642,818, C>A on the plus strand (G>T on the coding strand, the complement: ZNF142 is on the minus strand). VCF-style: chr2-218642818-C-A. GRCh37 (hg19) VCF-style: chr2-219507541-C-A.
Other names: c.3698G>T, p.Cys1233Phe (NM_001366291.3, NM_001379662.1, NM_001105537.5); c.4298G>T, p.Cys1433Phe (NM_001379660.1, NM_001379661.1, NM_001366290.3); c.3209G>T, p.Cys1070Phe (NM_001366287.3, NM_001366288.3, NM_001366289.3); short protein forms C1233F, C1070F, C1433F.
Identifiers: ClinVar variation 627547 (VCV000627547.6), dbSNP rs1275959058, ClinGen allele CA350584181.

ClinVar aggregate classification (germline): Likely pathogenic. Review status: criteria provided, single submitter (1 of 4 stars). 3 submissions from 3 submitters: Likely pathogenic (1). 2 of the submissions do not count toward it. Last evaluated 2025-04-15.

Conditions:
Neurodevelopmental disorder with impaired speech and hyperkinetic movements. Identifiers: MedGen C5193088, MONDO:0032741, OMIM 618425.

Allele frequency attached by ClinVar (database versions not stated): gnomAD exomes below 0.00001; TOPMed below 0.00001; gnomAD 0.00001.
gnomAD v4.1: 2 of 1,614,064 alleles (0.00012%); no homozygotes.

Submissions (3):

Tumer Group, Copenhagen University Hospital, Rigshospitalet
Classification: Likely pathogenic for Neurodevelopmental disorder with impaired speech and hyperkinetic movements. Last evaluated: 2025-04-15. Review status: criteria provided, single submitter. Criteria: ACMG Guidelines, 2015. Collection method: research. Allele origin: unknown. Affected: yes.

OMIM
Classification: Pathogenic for NEURODEVELOPMENTAL DISORDER WITH IMPAIRED SPEECH AND HYPERKINETIC MOVEMENTS. Last evaluated: 2019-05-10. Review status: no assertion criteria provided. Collection method: literature only. Allele origin: germline. Not counted in ClinVar's aggregate classification.

Advanced Center For Translational And Genetic Medicine, Ann & Robert H. Lurie Children's Hospital Of Chicago
Classification: Uncertain significance for Neurodevelopmental disorder with impaired speech and hyperkinetic movements. Last evaluated: 2019-03-08. Review status: no assertion criteria provided. Collection method: research. Allele origin: paternal. Inheritance: Autosomal recessive inheritance. Affected: yes. Observed: 1 variant allele. Not counted in ClinVar's aggregate classification.
Comment: compound heterozygous

Literature cited by the submitters: PubMed 31036918 (cited by OMIM and Advanced Center For Translational And Genetic Medicine, Ann & Robert H. Lurie Children's Hospital Of Chicago).